The following is an entry in ClinVar:

ClinVar aggregate classification (germline): Uncertain significance (1 of 4 stars; one submission).

Conditions:
Epilepsy, familial focal, with variable foci 3 (FFEVF3). Identifiers: MedGen C4310708, MONDO:0014925, OMIM 617118.

Allele frequency attached by ClinVar (database versions not stated): TOPMed below 0.00001; gnomAD exomes 0.00001.

Submission:

Labcorp Genetics (formerly Invitae), Labcorp
Classification: Uncertain significance for Epilepsy, familial focal, with variable foci 3. Last evaluated: 2023-04-10. Review status: criteria provided, single submitter. Criteria: Invitae Variant Classification Sherloc (09022015). Collection method: clinical testing. Allele origin: germline.
Comment: In summary, the available evidence is currently insufficient to determine the role of this variant in disease. Therefore, it has been classified as a Variant of Uncertain Significance. This variant has not been reported in the literature in individuals affected with NPRL3-related conditions. This variant is not present in population databases (gnomAD no frequency). This sequence change disrupts the translational stop signal of the NPRL3 mRNA. It is expected to extend the length of the NPRL3 protein by 27 additional amino acid residues.

NM_001077350.3(NPRL3):c.1708T>C (p.Ter570Arg)

Gene: NPRL3 (NPR3 like, GATOR1 complex subunit; minus strand). Cytogenetic location: 16p13.3.
Variant type: single nucleotide variant.
Coding change: c.1708T>C on transcript NM_001077350.3 (MANE Select); coding-DNA position 1708, T replaced by C.
Protein change: p.Ter570Arg.
Molecular consequence: stop lost.
Genome position (GRCh38, 1-based): chr16:86,707, A>G on the plus strand (T>C on the coding strand, the complement: NPRL3 is on the minus strand). VCF-style: chr16-86707-A-G. GRCh37 (hg19) VCF-style: chr16-136706-A-G.
Other names: c.1171T>C, p.Ter391Arg (NM_001039476.3); c.1474T>C, p.Ter492Arg (NM_001243247.2); c.1633T>C, p.Ter545Arg (NM_001243248.2, NM_001243249.2).
Identifiers: ClinVar variation 2999730 (VCV002999730.3), dbSNP rs1898486177, ClinGen allele CA394043840.